The following is an entry in ClinVar:

NM_025137.4(SPG11):c.7324G>A (p.Ala2442Thr)

Gene: SPG11 (SPG11 vesicle trafficking associated, spatacsin; minus strand). Cytogenetic location: 15q21.1.
Variant type: single nucleotide variant.
Coding change: c.7324G>A on transcript NM_025137.4 (MANE Select); coding-DNA position 7324, G replaced by A.
Protein change: p.Ala2442Thr; replaces alanine 2442 with threonine.
Molecular consequence: missense variant.
Genome position (GRCh38, 1-based): chr15:44,563,129, C>T on the plus strand (G>A on the coding strand, the complement: SPG11 is on the minus strand). VCF-style: chr15-44563129-C-T. GRCh37 (hg19) VCF-style: chr15-44855327-C-T.
Other names: p.Ala2442Thr; c.6985G>A, p.Ala2329Thr (NM_001160227.2); short protein forms A2442T, A2329T.
Identifiers: ClinVar variation 582538 (VCV000582538.8), dbSNP rs765644977, ClinGen allele CA7533821.
Genomic context (GRCh38, chr15:44,563,129, plus strand): 5'-CATCTGTCAGAATCTGCTAACAGTACAAGAAAACAGACACCTATGAAATCATCTAACCTG[C>T]TAGCATGTCCTTTAGACAGCAACCTGTCTGAGGGTCCTTCAGAAGCACATTTACAATTTC-3'
Protein context (NP_079413.3, residues 2432-2443): QTGCCLKDML[Ala2442Thr]G

ClinVar aggregate classification (germline): Uncertain significance. Review status: criteria provided, multiple submitters, no conflicts (2 of 4 stars). 2 submissions from 2 submitters: Uncertain significance (2). Last evaluated 2024-11-12.

Conditions:
Hereditary spastic paraplegia 11. Also called: Spastic paraplegia, mental retardation and thin corpus callosum; SPASTIC PARAPLEGIA, AUTOSOMAL RECESSIVE, COMPLICATED, WITH THIN CORPUS CALLOSUM; SPASTIC PARAPLEGIA, AUTOSOMAL RECESSIVE, WITH MENTAL IMPAIRMENT AND THIN CORPUS CALLOSUM; Spastic Paraplegia 11; Nakamura Osame syndrome; Autosomal recessive hereditary spastic paraplegia, mental impairment, and thin corpus callosum. Identifiers: Orphanet 2822, MedGen C1858479, MONDO:0011445, OMIM 604360.

Allele frequency attached by ClinVar (database versions not stated): TOPMed 0.00001; ExAC 0.00004.
gnomAD v4.1: 47 of 1,613,804 alleles (0.0029%); highest among the groups gnomAD compares: Non-Finnish European, 0.0036%; no homozygotes.

Submissions (2):

Mayo Clinic Laboratories, Mayo Clinic
Classification: Uncertain significance. Last evaluated: 2024-11-12. Review status: criteria provided, single submitter. Criteria: ACMG Guidelines, 2015. Collection method: clinical testing. Allele origin: germline. Observed: 1 variant allele.

Labcorp Genetics (formerly Invitae), Labcorp
Classification: Uncertain significance for Hereditary spastic paraplegia 11. Last evaluated: 2022-10-26. Review status: criteria provided, single submitter. Criteria: Invitae Variant Classification Sherloc (09022015). Collection method: clinical testing. Allele origin: germline.
Comment: This sequence change replaces alanine, which is neutral and non-polar, with threonine, which is neutral and polar, at codon 2442 of the SPG11 protein (p.Ala2442Thr). This variant is present in population databases (rs765644977, gnomAD 0.01%). This variant has not been reported in the literature in individuals affected with SPG11-related conditions. ClinVar contains an entry for this variant (Variation ID: 582538). Algorithms developed to predict the effect of missense changes on protein structure and function are either unavailable or do not agree on the potential impact of this missense change (SIFT: "Tolerated"; PolyPhen-2: "Possibly Damaging"; Align-GVGD: "Class C0"). In summary, the available evidence is currently insufficient to determine the role of this variant in disease. Therefore, it has been classified as a Variant of Uncertain Significance.